The following is an entry in ClinVar:

NM_000179.3(MSH6):c.2379T>C (p.Asp793=)

Gene: MSH6 (mutS homolog 6; plus strand). Cytogenetic location: 2p16.3.
Variant type: single nucleotide variant.
Coding change: c.2379T>C on transcript NM_000179.3 (MANE Select); coding-DNA position 2379, T replaced by C.
Protein change: p.Asp793=; no amino-acid change (aspartic acid 793 retained).
Molecular consequence: synonymous variant.
Genome position (GRCh38, 1-based): chr2:47,800,362, T>C. VCF-style: chr2-47800362-T-C. GRCh37 (hg19) VCF-style: chr2-48027501-T-C.
Other names: c.1989T>C, p.Asp663= (NM_001281492.2); c.1473T>C, p.Asp491= (NM_001281493.2, NM_001281494.2).
Identifiers: ClinVar variation 1543772 (VCV001543772.19), dbSNP rs2104403683, ClinGen allele CA426121715.

ClinVar aggregate classification (germline): Benign/Likely benign. Review status: criteria provided, multiple submitters, no conflicts (2 of 4 stars). 4 submissions from 4 submitters: Benign (1); Likely benign (3). Last evaluated 2025-08-01.

Conditions:
Hereditary nonpolyposis colorectal neoplasms. Identifiers: MedGen C0009405, MeSH D003123.
Lynch syndrome 5 (LYNCH5). Also called: Hereditary non-polyposis colorectal cancer, type 5; Colorectal cancer, hereditary nonpolyposis, type 5. Identifiers: Orphanet 144, MedGen C1833477, MONDO:0013710, OMIM 614350. Disease mechanism: loss of function.
Hereditary cancer-predisposing syndrome. Also called: Tumor predisposition; Neoplastic Syndromes, Hereditary; Hereditary Cancer Syndrome; Hereditary neoplastic syndrome. Identifiers: Orphanet 140162, MedGen C0027672, MeSH D009386, MONDO:0015356.

Allele frequency attached by ClinVar (database versions not stated): gnomAD exomes below 0.00001.
gnomAD v4.1: 1 of 1,614,126 alleles (0.000062%); highest among the groups gnomAD compares: African/African-American, 0.0013%; no homozygotes.

Submissions (4):

CeGaT Center for Human Genetics Tuebingen
Classification: Likely benign. Last evaluated: 2025-08-01. Review status: criteria provided, single submitter. Criteria: CeGaT Center For Human Genetics Tuebingen Variant Classification Criteria Version 2. Collection method: clinical testing. Allele origin: germline. Affected: yes. Observed: 1 variant allele.
Comment: MSH6: BP4, BP7

Myriad Genetics, Inc.
Classification: Benign for Lynch syndrome 5. Last evaluated: 2024-12-31. Review status: criteria provided, single submitter. Criteria: Myriad Autosomal Dominant, Autosomal Recessive and X-Linked Classification Criteria (2023). Collection method: clinical testing. Allele origin: unknown.
Comment: This variant is considered benign. This variant is a silent/synonymous amino acid change and it is not expected to impact splicing.

Labcorp Genetics (formerly Invitae), Labcorp
Classification: Likely benign for Hereditary nonpolyposis colorectal neoplasms. Last evaluated: 2024-11-11. Review status: criteria provided, single submitter. Criteria: Invitae Variant Classification Sherloc (09022015). Collection method: clinical testing. Allele origin: germline.

Ambry Genetics
Classification: Likely benign for Hereditary cancer-predisposing syndrome. Last evaluated: 2018-09-14. Review status: criteria provided, single submitter. Criteria: Ambry Variant Classification Scheme 2023. Collection method: clinical testing. Allele origin: germline.